The following is an entry in ClinVar:

NM_001085481.3(MAP1LC3B2):c.9G>A (p.Ser3=)

Gene: MAP1LC3B2 (microtubule associated protein 1 light chain 3 beta 2; plus strand). Cytogenetic location: 12q24.22.
Variant type: single nucleotide variant.
Coding change: c.9G>A on transcript NM_001085481.3 (MANE Select); coding-DNA position 9, G replaced by A.
Protein change: p.Ser3=; no amino-acid change (serine 3 retained).
Molecular consequence: synonymous variant.
Genome position (GRCh38, 1-based): chr12:116,575,951, G>A. VCF-style: chr12-116575951-G-A. GRCh37 (hg19) VCF-style: chr12-117013756-G-A.
Identifiers: ClinVar variation 2643372 (VCV002643372.24), dbSNP rs147123589, ClinGen allele CA6812011.

ClinVar aggregate classification (germline): Benign (1 of 4 stars; one submission).

Allele frequency attached by ClinVar (database versions not stated): 1000 Genomes Project 30x 0.00406; 1000 Genomes Project 0.00419; ExAC 0.00933; TOPMed 0.01009; ESP Exome Variant Server 0.01299; gnomAD exomes 0.01343.
gnomAD v4.1: 21,164 of 1,614,158 alleles (1.3%); highest among the groups gnomAD compares: Middle Eastern, 1.9%; 175 homozygotes.

Submission:

CeGaT Center for Human Genetics Tuebingen
Classification: Benign. Last evaluated: 2024-07-01. Review status: criteria provided, single submitter. Criteria: CeGaT Center For Human Genetics Tuebingen Variant Classification Criteria Version 2. Collection method: clinical testing. Allele origin: germline. Affected: yes. Observed: 2 variant alleles.
Comment: MAP1LC3B2: BP4, BP7, BS1, BS2